The following is an entry in ClinVar:

NM_000557.5(GDF5):c.574G>A (p.Val192Met)

Gene: GDF5 (growth differentiation factor 5; minus strand). Cytogenetic location: 20q11.22.
Variant type: single nucleotide variant.
Coding change: c.574G>A on transcript NM_000557.5 (MANE Select); coding-DNA position 574, G replaced by A.
Protein change: p.Val192Met; replaces valine 192 with methionine.
Molecular consequence: missense variant.
Genome position (GRCh38, 1-based): chr20:35,437,355, C>T on the plus strand (G>A on the coding strand, the complement: GDF5 is on the minus strand). VCF-style: chr20-35437355-C-T. GRCh37 (hg19) VCF-style: chr20-34025135-C-T.
Other names: c.574G>A, p.Val192Met (NM_001319138.2); short protein forms V192M.
Identifiers: ClinVar variation 4262780 (VCV004262780.2).

ClinVar aggregate classification (germline): Uncertain significance. Review status: criteria provided, multiple submitters, no conflicts (2 of 4 stars). 2 submissions from 2 submitters: Uncertain significance (2). Last evaluated 2025-08-22.

Conditions:
Inborn genetic diseases. Identifiers: MedGen C0950123, MeSH D030342.

gnomAD v4.1: 38 of 1,613,146 alleles (0.0024%); highest among the groups gnomAD compares: South Asian, 0.032%; 1 homozygote.

Submissions (2):

Ambry Genetics
Classification: Uncertain significance for Inborn genetic diseases. Last evaluated: 2025-08-22. Review status: criteria provided, single submitter. Criteria: Ambry Variant Classification Scheme 2023. Collection method: clinical testing. Allele origin: germline.

Labcorp Genetics (formerly Invitae), Labcorp
Classification: Uncertain significance. Last evaluated: 2025-05-15. Review status: criteria provided, single submitter. Criteria: Invitae Variant Classification Sherloc (09022015). Collection method: clinical testing. Allele origin: germline.
Comment: This sequence change replaces valine, which is neutral and non-polar, with methionine, which is neutral and non-polar, at codon 192 of the GDF5 protein (p.Val192Met). This variant is present in population databases (rs367694707, gnomAD 0.03%). This variant has not been reported in the literature in individuals affected with GDF5-related conditions. Invitae Evidence Modeling of protein sequence and biophysical properties (such as structural, functional, and spatial information, amino acid conservation, physicochemical variation, residue mobility, and thermodynamic stability) indicates that this missense variant is not expected to disrupt GDF5 protein function with a negative predictive value of 80%. In summary, the available evidence is currently insufficient to determine the role of this variant in disease. Therefore, it has been classified as a Variant of Uncertain Significance.